The following is an entry in ClinVar:

NC_000022.11:g.20356087G>A

Variant type: single nucleotide variant.
Genome position: GRCh38 VCF-style: chr22-20356087-G-A. GRCh37 (hg19) VCF-style: chr22-20710377-G-A.
Identifiers: ClinVar variation 3898415 (VCV003898415.7).
Genomic context (GRCh38, chr22:20,356,087, plus strand): 5'-GAGGATGCCGCCCACGGCATCGCTAACGAGGTCGCCGCCCACGGCATCGCAAACGAGGAC[G>A]CTGCCCAGGGCATCGCGAACGAGGACGCCGCCCAGGGCATCGCTAACGAGGTCGCCGCCC-3'

ClinVar aggregate classification (germline): Likely benign (1 of 4 stars; one submission).

Submission:

CeGaT Center for Human Genetics Tuebingen
Classification: Likely benign. Last evaluated: 2025-04-01. Review status: criteria provided, single submitter. Criteria: CeGaT Center For Human Genetics Tuebingen Variant Classification Criteria Version 2. Collection method: clinical testing. Allele origin: germline. Affected: yes. Observed: 1 variant allele.
Comment: FAM230A: BP4, BP7